The following is an entry in ClinVar:

ClinVar aggregate classification (germline): Uncertain significance. Review status: criteria provided, multiple submitters, no conflicts (2 of 4 stars). 5 submissions from 5 submitters: Uncertain significance (5). Last evaluated 2025-12-09.

Conditions:
Hereditary cancer-predisposing syndrome. Also called: Hereditary neoplastic syndrome; Neoplastic Syndromes, Hereditary; Hereditary Cancer Syndrome; Tumor predisposition. Identifiers: Orphanet 140162, MedGen C0027672, MeSH D009386, MONDO:0015356.
Pheochromocytoma. Also called: MAX-Related Hereditary Paraganglioma-Pheochromocytoma Syndrome. Identifiers: Orphanet 29072, MedGen C0031511, MONDO:0008233, OMIM 171300, HP:0002666.
Pheochromocytoma/paraganglioma syndrome 4. Also called: CAROTID BODY TUMORS AND MULTIPLE EXTRAADRENAL PHEOCHROMOCYTOMAS; PARAGANGLIOMA, FAMILIAL MALIGNANT; PARAGANGLIOMAS, HEREDITARY EXTRAADRENAL; PHEOCHROMOCYTOMA, FAMILIAL EXTRAADRENAL; SDHB-Related Hereditary Paraganglioma-Pheochromocytoma Syndrome (Paragangliomas 4); SDHB-Related Hereditary Paraganglioma-Pheochromocytoma Syndrome. Identifiers: Orphanet 29072, MedGen C1861848, MONDO:0007273, OMIM 115310.
Gastrointestinal stromal tumor. Also called: Gastrointestinal stromal tumor, somatic; Gastrointestinal stroma tumor. Identifiers: Orphanet 44890, MedGen C0238198, MeSH D046152, MONDO:0011719, OMIM 606764, HP:0100723.
Hereditary pheochromocytoma and paraganglioma. Also called: Hereditary pheochromocytoma-paraganglioma; Hereditary Paraganglioma-Pheochromocytoma Syndromes; Hereditary paragangliomas and pheochromocytomas. Identifiers: Orphanet 29072, MedGen C4274332, MONDO:0017366.

Allele frequency attached by ClinVar (database versions not stated): gnomAD exomes 0.00001 and below 0.00001.
gnomAD v4.1: 5 of 1,612,568 alleles (0.00031%); highest among the groups gnomAD compares: Admixed American, 0.0017%; no homozygotes.

Submissions (5):

Labcorp Genetics (formerly Invitae), Labcorp
Classification: Uncertain significance for Gastrointestinal stromal tumor; Pheochromocytoma/paraganglioma syndrome 4; Pheochromocytoma. Last evaluated: 2025-12-09. Review status: criteria provided, single submitter. Criteria: Invitae Variant Classification Sherloc (09022015). Collection method: clinical testing. Allele origin: germline.
Comment: This sequence change replaces valine, which is neutral and non-polar, with isoleucine, which is neutral and non-polar, at codon 72 of the SDHB protein (p.Val72Ile). This variant is present in population databases (no rsID available, gnomAD 0.003%). This variant has not been reported in the literature in individuals affected with SDHB-related conditions. ClinVar contains an entry for this variant (Variation ID: 412484). Invitae Evidence Modeling of protein sequence and biophysical properties (such as structural, functional, and spatial information, amino acid conservation, physicochemical variation, residue mobility, and thermodynamic stability) indicates that this missense variant is not expected to disrupt SDHB protein function with a negative predictive value of 80%. In summary, the available evidence is currently insufficient to determine the role of this variant in disease. Therefore, it has been classified as a Variant of Uncertain Significance.

Ambry Genetics
Classification: Uncertain significance for Hereditary cancer-predisposing syndrome. Last evaluated: 2025-06-27. Review status: criteria provided, single submitter. Criteria: Ambry Variant Classification Scheme 2023. Collection method: clinical testing. Allele origin: germline.
Comment: The p.V72I variant (also known as c.214G>A), located in coding exon 3 of the SDHB gene, results from a G to A substitution at nucleotide position 214. The valine at codon 72 is replaced by isoleucine, an amino acid with highly similar properties. This amino acid position is highly conserved in available vertebrate species. In addition, the in silico prediction for this alteration is inconclusive. Based on the available evidence, the clinical significance of this alteration remains unclear.

Color Diagnostics, LLC DBA Color Health
Classification: Uncertain significance for Hereditary pheochromocytoma and paraganglioma. Last evaluated: 2024-03-19. Review status: criteria provided, single submitter. Criteria: ACMG Guidelines, 2015. Collection method: clinical testing. Allele origin: germline.
Comment: This missense variant replaces valine with isoleucine at codon 72 of the SDHB protein. Computational prediction is inconclusive regarding the impact of this variant on protein structure and function. To our knowledge, functional studies have not been reported for this variant. This variant has not been reported in individuals affected with SDHB-related disorders in the literature. This variant has been identified in 2/251290 chromosomes in the general population by the Genome Aggregation Database (gnomAD). The available evidence is insufficient to determine the role of this variant in disease conclusively. Therefore, this variant is classified as a Variant of Uncertain Significance.

Baylor Genetics
Classification: Uncertain significance for Gastrointestinal stromal tumor. Last evaluated: 2024-01-20. Review status: criteria provided, single submitter. Criteria: ACMG Guidelines, 2015. Collection method: clinical testing. Allele origin: unknown.

GeneDx
Classification: Uncertain significance. Last evaluated: 2023-12-10. Review status: criteria provided, single submitter. Criteria: GeneDx Variant Classification Process June 2021. Collection method: clinical testing. Allele origin: germline.
Comment: Not observed at significant frequency in large population cohorts (gnomAD); In silico analysis supports that this missense variant does not alter protein structure/function; Has not been previously published as pathogenic or benign to our knowledge

NM_003000.3(SDHB):c.214G>A (p.Val72Ile)

Gene: SDHB (succinate dehydrogenase complex iron sulfur subunit B; minus strand). Cytogenetic location: 1p36.13.
Variant type: single nucleotide variant.
Coding change: c.214G>A on transcript NM_003000.3 (MANE Select); coding-DNA position 214, G replaced by A.
Protein change: p.Val72Ile; replaces valine 72 with isoleucine.
Molecular consequence: missense variant.
Genome position (GRCh38, 1-based): chr1:17,033,132, C>T on the plus strand (G>A on the coding strand, the complement: SDHB is on the minus strand). VCF-style: chr1-17033132-C-T. GRCh37 (hg19) VCF-style: chr1-17359627-C-T.
Other names: short protein forms V72I.
Identifiers: ClinVar variation 412484 (VCV000412484.17), dbSNP rs1060503766, ClinGen allele CA16609942.
Genomic context (GRCh38, chr1:17,033,132, plus strand): 5'-ATCTTCGGAAGGTCAAAGTAGAGTCAACTTCATTCTTAATCTTGATTAAAGCATCCAATA[C>T]CATGGGGCCACATCTAACAAAGAAAAATATCCAGTGGTATTTATGTAACGTTCAACCTCC-3'
Protein context (NP_002991.2, residues 62-82): EVDLNKCGPM[Val72Ile]LDALIKIKNE